The following is an entry in ClinVar:

ClinVar aggregate classification (germline): Likely pathogenic (1 of 4 stars; one submission).

Conditions:
KBG syndrome (KBGS). Also called: ANKRD11-Related KBG Syndrome. Identifiers: Orphanet 2332, MedGen C0220687, MONDO:0007846, OMIM 148050.

Submission:

3billion
Classification: Likely pathogenic for KBG syndrome. Review status: criteria provided, single submitter. Criteria: ACMG Guidelines, 2015. Collection method: clinical testing. Allele origin: unknown. Affected: yes. Observed: 1 heterozygote.
Comment: The variant is not observed in the gnomAD v2.1.1 dataset. The variant is predicted to result in a loss or disruption of normal protein function through nonsense-mediated decay (NMD) or protein truncation. Multiple pathogenic variants are reported downstream of the variant. Therefore, this variant is classified as Likely pathogenic according to the recommendation of ACMG/AMP guideline.

NM_013275.6(ANKRD11):c.291del (p.Phe98fs)

Gene: ANKRD11 (ankyrin repeat domain 11; minus strand). Cytogenetic location: 16q24.3.
Variant type: Deletion.
Coding change: c.291del on transcript NM_013275.6 (MANE Select); coding-DNA position 291, one base deleted (G; older notation c.291delG).
Protein change: p.Phe98fs; shifts the reading frame from phenylalanine 98.
Molecular consequence: frameshift variant. On other transcripts: non-coding transcript variant (1).
Genome position (GRCh38, 1-based): chr16:89,291,119, C deleted on the plus strand (G on the coding strand, the reverse complement: ANKRD11 is on the minus strand). VCF-style (leftmost placement, unchanged base first): chr16-89291118-AC-A. GRCh37 (hg19) VCF-style: chr16-89357526-AC-A.
Other names: c.291del, p.Phe98fs (NM_001256182.2, NM_001256183.2); short protein forms F98fs.
Identifiers: ClinVar variation 2572523 (VCV002572523.1), dbSNP rs2493686781, ClinGen allele CA2580613931.